The following is an entry in ClinVar:

ClinVar aggregate classification (germline): Conflicting classifications of pathogenicity. Review status: criteria provided, conflicting classifications (1 of 4 stars). 5 submissions from 5 submitters: Likely pathogenic (2); Uncertain significance (3). Last evaluated 2025-11-06.

Conditions:
Inborn genetic diseases. Identifiers: MedGen C0950123, MeSH D030342.
Muscular dystrophy-dystroglycanopathy (congenital with brain and eye anomalies), type a, 10 (MDDGA10). Also called: WALKER-WARBURG SYNDROME OR MUSCLE-EYE-BRAIN DISEASE, TMEM5-RELATED. Identifiers: Orphanet 899, MedGen C3554381, MONDO:0014022, OMIM 615041.

Allele frequency attached by ClinVar (database versions not stated): gnomAD 0.00001; gnomAD exomes 0.00001; TOPMed 0.00001.
gnomAD v4.1: 11 of 1,574,158 alleles (0.0007%); highest among the groups gnomAD compares: Non-Finnish European, 0.0006%; no homozygotes.

Submissions (5):

Labcorp Genetics (formerly Invitae), Labcorp
Classification: Likely pathogenic. Last evaluated: 2025-11-06. Review status: criteria provided, single submitter. Criteria: Invitae Variant Classification Sherloc (09022015). Collection method: clinical testing. Allele origin: germline.
Comment: This sequence change falls in intron 5 of the RXYLT1 gene. It does not directly change the encoded amino acid sequence of the RXYLT1 protein. RNA analysis indicates that this variant induces altered splicing and likely results in a shortened protein product. This variant is present in population databases (rs748809209, gnomAD 0.002%). This variant has been observed in individual(s) with clinical features of congenital muscular dystrophy (PMID: 30017359). ClinVar contains an entry for this variant (Variation ID: 429848). Variants that disrupt the consensus splice site are a relatively common cause of aberrant splicing (PMID: 17576681, 9536098). Studies have shown that this variant results in skipping of exon 5, but is expected to preserve the integrity of the reading-frame (PMID: 30017359). In summary, the currently available evidence indicates that the variant is pathogenic, but additional data are needed to prove that conclusively. Therefore, this variant has been classified as Likely Pathogenic.

Women's Health and Genetics/Laboratory Corporation of America, LabCorp
Classification: Likely pathogenic for Muscular dystrophy-dystroglycanopathy (congenital with brain and eye anomalies), type a, 10. Last evaluated: 2024-12-12. Review status: criteria provided, single submitter. Criteria: LabCorp Variant Classification Summary - May 2015. Collection method: clinical testing. Allele origin: germline.
Comment: Variant summary: RXYLT1 c.914+6T>G alters a conserved nucleotide located close to a canonical splice site and therefore could affect mRNA splicing, leading to a significantly altered protein sequence. Several computational tools predict a significant impact on normal splicing: Two predict the variant weakens a 5' donor site. One predicts the variant creates a 5' donor site. One predicts the variant no significant impact on splicing. At least one publication reports experimental evidence that this variant affects mRNA splicing result in an in frame skipping of exon 5 in patient samples (example, Zaum_2018). The variant allele was found at a frequency of 7e-06 in 1574158 control chromosomes. This frequency is not significantly higher than estimated for a pathogenic variant in RXYLT1 causing Muscular Dystrophy-Dystroglycanopathy (congenital With Brain And Eye Anomalies), Type A, 10. c.914+6T>G has been reported in the homozygous state in the literature in multiple individuals affected with clinical features of Muscular Dystrophy-Dystroglycanopathy (congenital With Brain And Eye Anomalies), Type A, 10 (example, Al-Kasbi_2022, Zaum_2018), including at least 1 family where it segregated with disease. These data indicate that the variant is very likely to be associated with disease. The following publications have been ascertained in the context of this evaluation (PMID: 36344539, 30017359). ClinVar contains an entry for this variant (Variation ID: 429848). Based on the evidence outlined above, the variant was classified as likely pathogenic.

Ambry Genetics
Classification: Uncertain significance for Inborn genetic diseases. Last evaluated: 2024-06-24. Review status: criteria provided, single submitter. Criteria: Ambry Variant Classification Scheme 2023. Collection method: clinical testing. Allele origin: germline.
Comment: The c.914+6T>G intronic alteration consists of a T to G substitution nucleotides after coding exon 5 in the TMEM5 gene. Based on insufficient or conflicting evidence, the clinical significance of this alteration remains unclear.

Department of Genetics, Sultan Qaboos University Hospital
Classification: Uncertain significance for Muscular dystrophy-dystroglycanopathy (congenital with brain and eye anomalies), type A, 10. Last evaluated: 2022-06-30. Review status: criteria provided, single submitter. Criteria: ACMG Guidelines, 2015. Collection method: clinical testing. Allele origin: germline.

GeneDx
Classification: Uncertain significance. Last evaluated: 2017-05-12. Review status: criteria provided, single submitter. Criteria: GeneDx Variant Classification (06012015). Collection method: clinical testing. Allele origin: germline. Affected: yes.
Comment: A variant of uncertain significance has been identified in the TMEM5 gene. The c.914+6 T>G variant has not been published as a pathogenic variant, nor has it been reported as a benign variant to our knowledge. The c.914+6 T>G variant not observed at a significant frequency in large population cohorts (Lek et al., 2016; 1000 Genomes Consortium et al., 2015; Exome Variant Server). Several in-silico splice prediction models predict that c.914+6 T>G reduces the natural splice donor site and may and lead to abnormal gene splicing. However, in the absence of RNA/functional studies, the actual effect of this sequence change in this individual is unknown. Therefore, based on the currently available information, it is unclear whether this variant is a pathogenic variant or a rare benign variant.

Literature cited by the submitters: PubMed 30017359 (cited by 3 submitters); PubMed 17576681 (cited by Labcorp Genetics (formerly Invitae), Labcorp); PubMed 9536098 (cited by Labcorp Genetics (formerly Invitae), Labcorp); PubMed 36344539 (cited by Women's Health and Genetics/Laboratory Corporation of America, LabCorp and Ambry Genetics).

NM_014254.3(RXYLT1):c.914+6T>G

Gene: RXYLT1 (ribitol xylosyltransferase 1; plus strand). Cytogenetic location: 12q14.2.
Variant type: single nucleotide variant.
Coding change: c.914+6T>G on transcript NM_014254.3 (MANE Select); 6 bases into the intron after coding-DNA position 914, T replaced by G.
Molecular consequence: intron variant.
Genome position (GRCh38, 1-based): chr12:63,805,410, T>G. VCF-style: chr12-63805410-T-G. GRCh37 (hg19) VCF-style: chr12-64199190-T-G.
Other names: c.134+6T>G (NM_001278237.2); c.914+6T>G (NM_014254.1).
Identifiers: ClinVar variation 429848 (VCV000429848.16), dbSNP rs748809209, ClinGen allele CA6666204.